The following is an entry in ClinVar:

NM_032638.5(GATA2):c.1231G>A (p.Ala411Thr)

Gene: GATA2 (GATA binding protein 2; minus strand). Cytogenetic location: 3q21.3.
Variant type: single nucleotide variant.
Coding change: c.1231G>A on transcript NM_032638.5 (MANE Select); coding-DNA position 1231, G replaced by A.
Protein change: p.Ala411Thr; replaces alanine 411 with threonine.
Molecular consequence: missense variant.
Genome position (GRCh38, 1-based): chr3:128,481,231, C>T on the plus strand (G>A on the coding strand, the complement: GATA2 is on the minus strand). VCF-style: chr3-128481231-C-T. GRCh37 (hg19) VCF-style: chr3-128200074-C-T.
Other names: c.1231G>A, p.Ala411Thr (NM_001145661.2); c.1189G>A, p.Ala397Thr (NM_001145662.1); short protein forms A397T, A411T.
Identifiers: ClinVar variation 4620647 (VCV004620647.1).
Genomic context (GRCh38, chr3:128,481,231, plus strand): 5'-CTGCACTGAAGGGGGATGACTTCTCCTGCATGCACTTTGACAGCTCCTCGAAGCACTCCG[C>T]CCCTTTCTTGCTCTTCTTGGACTTGTTGGACATCTTCCGGTTCCGAGTCTGGATCCCTTC-3'
Protein context (NP_116027.2, residues 401-421): SNKSKKSKKG[Ala411Thr]ECFEELSKCM

ClinVar aggregate classification (germline): Uncertain significance (1 of 4 stars; one submission).

Conditions:
Inborn genetic diseases. Identifiers: MedGen C0950123, MeSH D030342.

gnomAD v4.1: 2 of 1,614,226 alleles (0.00012%); highest among the groups gnomAD compares: Non-Finnish European, 0.000085%; no homozygotes.

Submission:

Ambry Genetics
Classification: Uncertain significance for Inborn genetic diseases. Last evaluated: 2025-11-30. Review status: criteria provided, single submitter. Criteria: Ambry Variant Classification Scheme 2023. Collection method: clinical testing. Allele origin: germline.
Comment: The p.A411T variant (also known as c.1231G>A), located in coding exon 5 of the GATA2 gene, results from a G to A substitution at nucleotide position 1231. The alanine at codon 411 is replaced by threonine, an amino acid with similar properties. This amino acid position is conserved. In addition, this alteration is predicted to be tolerated by in silico analysis. Based on the available evidence, the clinical significance of this variant remains unclear.